The following is an entry in ClinVar:

ClinVar aggregate classification (germline): Pathogenic. Review status: criteria provided, multiple submitters, no conflicts (2 of 4 stars). 2 submissions from 2 submitters: Pathogenic (2). Last evaluated 2023-10-20.

Conditions:
Mowat-Wilson syndrome (MOWS). Also called: Classic Mowat-Wilson Syndrome. Identifiers: Orphanet 2152, MedGen C1856113, MONDO:0009341, OMIM 235730.

Submissions (2):

Medical Genetics Unit, Azienda USL-IRCCS di Reggio Emilia
Classification: Pathogenic for Mowat-Wilson syndrome. Last evaluated: 2023-10-20. Review status: criteria provided, single submitter. Criteria: ACMG Guidelines, 2015. Collection method: clinical testing. Allele origin: de novo. Affected: yes. Observed: 1 variant allele.
Comment: Heterozygous variant associated with Mowat-Wilson syndrome in at least 1 individual. ACMG/AMP criteria PVS1, PS2, PM2

Laboratory of Medical Genetics, University of Torino
Classification: Pathogenic for Mowat-Wilson syndrome. Last evaluated: 2022-11-29. Review status: criteria provided, single submitter. Criteria: ACMG Guidelines, 2015. Collection method: research. Allele origin: germline. Affected: yes. Study: NeuroWES.

NM_014795.4(ZEB2):c.2357dup (p.Leu786fs)

Gene: ZEB2 (zinc finger E-box binding homeobox 2; minus strand). Cytogenetic location: 2q22.3.
Variant type: Duplication.
Coding change: c.2357dup on transcript NM_014795.4 (MANE Select); coding-DNA position 2357, one base duplicated (T; older notation c.2357dupT).
Protein change: p.Leu786fs; shifts the reading frame from leucine 786.
Molecular consequence: frameshift variant.
Genome position (GRCh38, 1-based): chr2:144,398,830, A duplicated on the plus strand (T on the coding strand, the reverse complement: ZEB2 is on the minus strand); the first of 2 consecutive A bases (chr2:144,398,830-144,398,831); duplicating either gives the same sequence. VCF-style (leftmost placement, unchanged base first): chr2-144398829-T-TA. GRCh37 (hg19) VCF-style: chr2-145156396-T-TA.
Other names: c.2285dup, p.Leu762fs (NM_001171653.2); short protein forms L762fs, L786fs.
Identifiers: ClinVar variation 1802548 (VCV001802548.3), dbSNP rs2549106009, ClinGen allele CA2580063848.
Genomic context (GRCh38, chr2:144,398,829, plus strand): 5'-GAAGCTGTTTGGAGTGTATGAACTACTGTGGGAGTTTTTAGAAGATGTGGAGGAAAGATT[T>TA]AAGGGAGAAGGAGTATTACTCCTGGAGTGGTCCAATTTTTCAACTGGTTTAATATTGGTA-3'